The following is an entry in ClinVar:

NM_005460.4(SNCAIP):c.806G>A (p.Arg269Gln)

Gene: SNCAIP (synuclein alpha interacting protein; plus strand). Cytogenetic location: 5q23.2.
Variant type: single nucleotide variant.
Coding change: c.806G>A on transcript NM_005460.4 (MANE Select); coding-DNA position 806, G replaced by A.
Protein change: p.Arg269Gln; replaces arginine 269 with glutamine.
Molecular consequence: missense variant. On other transcripts: non-coding transcript variant (1), intron variant (5).
Genome position (GRCh38, 1-based): chr5:122,423,543, G>A. VCF-style: chr5-122423543-G-A. GRCh37 (hg19) VCF-style: chr5-121759238-G-A.
Other names: c.947G>A, p.Arg316Gln (NM_001308100.2); c.806G>A, p.Arg269Gln (NM_001308105.1); c.85-8426G>A (NM_001242935.3, NM_001308107.2); c.85-17086G>A (NM_001308109.2); c.79-8426G>A (NM_001308106.1); c.85-1809G>A (NM_001308108.1); short protein forms R269Q, R316Q.
Identifiers: ClinVar variation 906848 (VCV000906848.4), dbSNP rs776653393, ClinGen allele CA3384711.

ClinVar aggregate classification (germline): Likely benign (1 of 4 stars; one submission).

Conditions:
Parkinson Disease, Dominant/Recessive.

Allele frequency attached by ClinVar (database versions not stated): TOPMed below 0.00001; gnomAD 0.00001 and 0.00002; ExAC 0.00002; gnomAD exomes 0.00002.
gnomAD v4.1: 40 of 1,614,120 alleles (0.0025%); highest among the groups gnomAD compares: East Asian, 0.053%; no homozygotes.

Submission:

Illumina Laboratory Services, Illumina
Classification: Likely benign for Parkinson Disease, Dominant/Recessive. Last evaluated: 2018-01-13. Review status: criteria provided, single submitter. Criteria: ICSL Variant Classification Criteria 13 December 2019. Collection method: clinical testing. Allele origin: germline.
Comment: This variant was observed in the ICSL laboratory as part of a predisposition screen in an ostensibly healthy population. It had not been previously curated by ICSL or reported in the Human Gene Mutation Database (HGMD: prior to June 1st, 2018), and was therefore a candidate for classification through an automated scoring system. Utilizing variant allele frequency, disease prevalence and penetrance estimates, and inheritance mode, an automated score was calculated to assess if this variant is too frequent to cause the disease. Based on the score and internal cut-off values, a variant classified as likely benign is not then subjected to further curation. The score for this variant resulted in a classification of likely benign for this disease.